The following is an entry in ClinVar:

NM_032242.4(PLXNA1):c.3160G>A (p.Asp1054Asn)

Gene: PLXNA1 (plexin A1; plus strand). Cytogenetic location: 3q21.3.
Variant type: single nucleotide variant.
Coding change: c.3160G>A on transcript NM_032242.4 (MANE Select); coding-DNA position 3160, G replaced by A.
Protein change: p.Asp1054Asn; replaces aspartic acid 1054 with asparagine.
Molecular consequence: missense variant.
Genome position (GRCh38, 1-based): chr3:127,016,662, G>A. VCF-style: chr3-127016662-G-A. GRCh37 (hg19) VCF-style: chr3-126735505-G-A.
Other names: c.3160G>A (NM_032242.3); short protein forms D1054N.
Identifiers: ClinVar variation 2100700 (VCV002100700.5), dbSNP rs1162492330, ClinGen allele CA354389584.

ClinVar aggregate classification (germline): Uncertain significance. Review status: criteria provided, single submitter (1 of 4 stars). 2 submissions from 2 submitters: Uncertain significance (1). 1 of the submissions does not count toward it. Last evaluated 2022-10-24.

Conditions:
PLXNA1-related disorder. Also called: PLXNA1-related condition.

gnomAD v4.1: 3 of 1,613,982 alleles (0.00019%); highest among the groups gnomAD compares: African/African-American, 0.0013%; no homozygotes.

Submissions (2):

Labcorp Genetics (formerly Invitae), Labcorp
Classification: Uncertain significance. Last evaluated: 2022-10-24. Review status: criteria provided, single submitter. Criteria: Invitae Variant Classification Sherloc (09022015). Collection method: clinical testing. Allele origin: germline.
Comment: This sequence change replaces aspartic acid, which is acidic and polar, with asparagine, which is neutral and polar, at codon 1054 of the PLXNA1 protein (p.Asp1054Asn). This variant is present in population databases (no rsID available, gnomAD 0.0009%). This variant has not been reported in the literature in individuals affected with PLXNA1-related conditions. Advanced modeling of protein sequence and biophysical properties (such as structural, functional, and spatial information, amino acid conservation, physicochemical variation, residue mobility, and thermodynamic stability) performed at Invitae indicates that this missense variant is not expected to disrupt PLXNA1 protein function. In summary, the available evidence is currently insufficient to determine the role of this variant in disease. Therefore, it has been classified as a Variant of Uncertain Significance.

PreventionGenetics, part of Exact Sciences
Classification: Uncertain significance for PLXNA1-related condition. Last evaluated: 2024-09-18. Review status: no assertion criteria provided. Collection method: clinical testing. Allele origin: germline. Not counted in ClinVar's aggregate classification.
Comment: The PLXNA1 c.3160G>A variant is predicted to result in the amino acid substitution p.Asp1054Asn. To our knowledge, this variant has not been reported in the literature. This variant is reported in 0.00088% of alleles in individuals of European (Non-Finnish) descent in gnomAD. At this time, the clinical significance of this variant is uncertain due to the absence of conclusive functional and genetic evidence.